The following is an entry in ClinVar:

ClinVar aggregate classification (germline): Uncertain significance (0 of 4 stars; one submission).

Conditions:
KSR2-related disorder. Also called: KSR2-related condition.

gnomAD v4.1: 5 of 1,611,286 alleles (0.00031%); highest among the groups gnomAD compares: Admixed American, 0.0084%; no homozygotes.

Submission:

PreventionGenetics, part of Exact Sciences
Classification: Uncertain significance for KSR2-related condition. Last evaluated: 2024-07-17. Review status: no assertion criteria provided. Collection method: clinical testing. Allele origin: germline.
Comment: The KSR2 c.43A>C variant is predicted to result in the amino acid substitution p.Lys15Gln. To our knowledge, this variant has not been reported in the literature. This variant is reported in 0.012% of alleles in individuals of Latino descent in gnomAD. At this time, the clinical significance of this variant is uncertain due to the absence of conclusive functional and genetic evidence.

NM_173598.6(KSR2):c.130A>C (p.Lys44Gln)

Gene: KSR2 (kinase suppressor of ras 2; minus strand). Cytogenetic location: 12q24.23.
Variant type: single nucleotide variant.
Coding change: c.130A>C on transcript NM_173598.6 (MANE Select); coding-DNA position 130, A replaced by C.
Protein change: p.Lys44Gln; replaces lysine 44 with glutamine.
Molecular consequence: missense variant.
Genome position (GRCh38, 1-based): chr12:117,968,126, T>G on the plus strand (A>C on the coding strand, the complement: KSR2 is on the minus strand). VCF-style: chr12-117968126-T-G. GRCh37 (hg19) VCF-style: chr12-118405931-T-G.
Other names: short protein forms K44Q.
Identifiers: ClinVar variation 3352018 (VCV003352018.1).